The following is an entry in ClinVar:

ClinVar aggregate classification (germline): Uncertain significance (1 of 4 stars; one submission).

Submission:

Labcorp Genetics (formerly Invitae), Labcorp
Classification: Uncertain significance. Last evaluated: 2024-10-01. Review status: criteria provided, single submitter. Criteria: Invitae Variant Classification Sherloc (09022015). Collection method: clinical testing. Allele origin: germline.
Comment: This sequence change replaces proline, which is neutral and non-polar, with serine, which is neutral and polar, at codon 53 of the UROS protein (p.Pro53Ser). This variant is not present in population databases (gnomAD no frequency). This variant has not been reported in the literature in individuals affected with UROS-related conditions. Invitae Evidence Modeling of protein sequence and biophysical properties (such as structural, functional, and spatial information, amino acid conservation, physicochemical variation, residue mobility, and thermodynamic stability) indicates that this missense variant is not expected to disrupt UROS protein function with a negative predictive value of 80%. In summary, the available evidence is currently insufficient to determine the role of this variant in disease. Therefore, it has been classified as a Variant of Uncertain Significance.

NM_000375.3(UROS):c.157C>T (p.Pro53Ser)

Gene: UROS (uroporphyrinogen III synthase; minus strand). Cytogenetic location: 10q26.2.
Variant type: single nucleotide variant.
Coding change: c.157C>T on transcript NM_000375.3 (MANE Select); coding-DNA position 157, C replaced by T.
Protein change: p.Pro53Ser; replaces proline 53 with serine.
Molecular consequence: missense variant. On other transcripts: non-coding transcript variant (2).
Genome position (GRCh38, 1-based): chr10:125,815,121, G>A on the plus strand (C>T on the coding strand, the complement: UROS is on the minus strand). VCF-style: chr10-125815121-G-A. GRCh37 (hg19) VCF-style: chr10-127503690-G-A.
Other names: c.157C>T, p.Pro53Ser (NM_001324036.2, NM_001324037.2, NM_001324038.2 and 1 more transcripts); short protein forms P53S.
Identifiers: ClinVar variation 3707424 (VCV003707424.2).